The following is an entry in ClinVar:

ClinVar aggregate classification (germline): Uncertain significance (1 of 4 stars; one submission).

Conditions:
Hereditary diffuse gastric adenocarcinoma (HDGC). Also called: DIFFUSE GASTRIC AND LOBULAR BREAST CANCER SYNDROME. Identifiers: Orphanet 26106, MedGen C1708349, MONDO:0007648, OMIM 137215.

Submission:

Labcorp Genetics (formerly Invitae), Labcorp
Classification: Uncertain significance for Hereditary diffuse gastric adenocarcinoma. Last evaluated: 2025-09-03. Review status: criteria provided, single submitter. Criteria: Invitae Variant Classification Sherloc (09022015). Collection method: clinical testing. Allele origin: germline.
Comment: This sequence change replaces glutamine, which is neutral and polar, with histidine, which is basic and polar, at codon 857 of the CDH1 protein (p.Gln857His). This variant is not present in population databases (gnomAD no frequency). This variant has not been reported in the literature in individuals affected with CDH1-related conditions. An algorithm developed to predict the effect of missense changes on protein structure and function (PolyPhen-2) suggests that this variant is likely to be disruptive. In summary, the available evidence is currently insufficient to determine the role of this variant in disease. Therefore, it has been classified as a Variant of Uncertain Significance.

NM_004360.5(CDH1):c.2571G>C (p.Gln857His)

Gene: CDH1 (cadherin 1; plus strand). Cytogenetic location: 16q22.1.
Variant type: single nucleotide variant.
Coding change: c.2571G>C on transcript NM_004360.5 (MANE Select); coding-DNA position 2571, G replaced by C.
Protein change: p.Gln857His; replaces glutamine 857 with histidine.
Molecular consequence: missense variant.
Genome position (GRCh38, 1-based): chr16:68,833,421, G>C. VCF-style: chr16-68833421-G-C. GRCh37 (hg19) VCF-style: chr16-68867324-G-C.
Other names: c.2388G>C, p.Gln796His (NM_001317184.2); c.1023G>C, p.Gln341His (NM_001317185.2); c.606G>C, p.Gln202His (NM_001317186.2); short protein forms Q796H, Q202H, Q341H, Q857H.
Identifiers: ClinVar variation 4764117 (VCV004764117.1).
Genomic context (GRCh38, chr16:68,833,421, plus strand): 5'-AAGCGGTTCCGAAGCTGCTAGTCTGAGCTCCCTGAACTCCTCAGAGTCAGACAAAGACCA[G>C]GACTATGACTACTTGAACGAATGGGGCAATCGCTTCAAGAAGCTGGCTGACATGTACGGA-3'
Protein context (NP_004351.1, residues 847-867): SLNSSESDKD[Gln857His]DYDYLNEWGN